The following is an entry in ClinVar:

ClinVar aggregate classification (germline): Uncertain significance (1 of 4 stars; one submission).

Conditions:
Idiopathic generalized epilepsy. Also called: Generalised epilepsy; EIG. Identifiers: MedGen C0270850, MONDO:0005579, OMIM 600669.

gnomAD v4.1: 2 of 1,489,364 alleles (0.00013%); highest among the groups gnomAD compares: Non-Finnish European, 0.00018%; no homozygotes.

Submission:

Labcorp Genetics (formerly Invitae), Labcorp
Classification: Uncertain significance for Idiopathic generalized epilepsy. Last evaluated: 2020-07-15. Review status: criteria provided, single submitter. Criteria: Invitae Variant Classification Sherloc (09022015). Collection method: clinical testing. Allele origin: germline.
Comment: In summary, the available evidence is currently insufficient to determine the role of this variant in disease. Therefore, it has been classified as a Variant of Uncertain Significance. Algorithms developed to predict the effect of missense changes on protein structure and function are either unavailable or do not agree on the potential impact of this missense change (SIFT: "Deleterious"; PolyPhen-2: "Possibly Damaging"; Align-GVGD: "Class C0"). This variant has not been reported in the literature in individuals with RBFOX3-related conditions. This variant is not present in population databases (ExAC no frequency). This sequence change replaces isoleucine with methionine at codon 309 of the RBFOX3 protein (p.Ile309Met). The isoleucine residue is moderately conserved and there is a small physicochemical difference between isoleucine and methionine.

NM_001350451.2(RBFOX3):c.1068T>G (p.Ile356Met)

Gene: RBFOX3 (RNA binding fox-1 homolog 3; minus strand). Cytogenetic location: 17q25.3.
Variant type: single nucleotide variant.
Coding change: c.1068T>G on transcript NM_001350451.2 (MANE Select); coding-DNA position 1068, T replaced by G.
Protein change: p.Ile356Met; replaces isoleucine 356 with methionine.
Molecular consequence: missense variant.
Genome position (GRCh38, 1-based): chr17:79,094,460, A>C on the plus strand (T>G on the coding strand, the complement: RBFOX3 is on the minus strand). VCF-style: chr17-79094460-A-C. GRCh37 (hg19) VCF-style: chr17-77090542-A-C.
Other names: c.927T>G, p.Ile309Met (NM_001082575.3, NM_001350453.2, NM_001385825.1 and 16 more transcripts); c.1068T>G, p.Ile356Met (NM_001385804.1, NM_001385805.1, NM_001385807.1 and 14 more transcripts); c.1065T>G, p.Ile355Met (NM_001385806.1, NM_001385822.1, NM_001385823.1); c.975T>G, p.Ile325Met (NM_001385824.1); c.948T>G, p.Ile316Met (NM_001385827.1); c.924T>G, p.Ile308Met (NM_001385843.1, NM_001385844.1, NM_001385845.1 and 1 more transcripts); c.780T>G, p.Ile260Met (NM_001385847.1); short protein forms I260M, I325M, I356M, I309M, I308M, I316M, I355M.
Identifiers: ClinVar variation 1047217 (VCV001047217.8), dbSNP rs2074722616, ClinGen allele CA401315628.